The following is an entry in ClinVar:

ClinVar aggregate classification (germline): Conflicting classifications of pathogenicity. Review status: criteria provided, conflicting classifications (1 of 4 stars). 2 submissions from 2 submitters: Uncertain significance (1); Likely benign (1). Last evaluated 2026-01-21.

Allele frequency attached by ClinVar (database versions not stated): gnomAD 0.00013; TOPMed 0.00019; ExAC 0.00020.
gnomAD v4.1: 178 of 1,613,360 alleles (0.011%); highest among the groups gnomAD compares: Middle Eastern, 0.049%; no homozygotes.

Submissions (2):

Labcorp Genetics (formerly Invitae), Labcorp
Classification: Likely benign. Last evaluated: 2026-01-21. Review status: criteria provided, single submitter. Criteria: Invitae Variant Classification Sherloc (09022015). Collection method: clinical testing. Allele origin: germline.

GeneDx
Classification: Uncertain significance. Last evaluated: 2023-07-07. Review status: criteria provided, single submitter. Criteria: GeneDx Variant Classification Process June 2021. Collection method: clinical testing. Allele origin: germline. Affected: yes.
Comment: In silico analysis supports that this missense variant does not alter protein structure/function; Has not been previously published as pathogenic or benign in association with a COL7A1-related disorder to our knowledge; This variant is associated with the following publications: (PMID: 29177441)

NM_000094.4(COL7A1):c.5609G>A (p.Arg1870His)

Gene: COL7A1 (collagen type VII alpha 1 chain; minus strand). Cytogenetic location: 3p21.31.
Variant type: single nucleotide variant.
Coding change: c.5609G>A on transcript NM_000094.4 (MANE Select); coding-DNA position 5609, G replaced by A.
Protein change: p.Arg1870His; replaces arginine 1870 with histidine.
Molecular consequence: missense variant.
Genome position (GRCh38, 1-based): chr3:48,576,767, C>T on the plus strand (G>A on the coding strand, the complement: COL7A1 is on the minus strand). VCF-style: chr3-48576767-C-T. GRCh37 (hg19) VCF-style: chr3-48614200-C-T.
Other names: short protein forms R1870H.
Identifiers: ClinVar variation 2070051 (VCV002070051.5), dbSNP rs756690615, ClinGen allele CA2379401.